The following is an entry in ClinVar:

NM_001041.4(SI):c.3914C>T (p.Thr1305Ile)

Gene: SI (sucrase-isomaltase; minus strand). Cytogenetic location: 3q26.1.
Variant type: single nucleotide variant.
Coding change: c.3914C>T on transcript NM_001041.4 (MANE Select); coding-DNA position 3914, C replaced by T.
Protein change: p.Thr1305Ile; replaces threonine 1305 with isoleucine.
Molecular consequence: missense variant.
Genome position (GRCh38, 1-based): chr3:165,015,208, G>A on the plus strand (C>T on the coding strand, the complement: SI is on the minus strand). VCF-style: chr3-165015208-G-A. GRCh37 (hg19) VCF-style: chr3-164732996-G-A.
Other names: short protein forms T1305I.
Identifiers: ClinVar variation 903122 (VCV000903122.8), dbSNP rs371426683, ClinGen allele CA2690097.
Genomic context (GRCh38, chr3:165,015,208, plus strand): 5'-TTTGGCCATTTGACAAAGACATCATTCTGCTGTCCTCTTTCAAATGCAGGGTAAGTCTTT[G>A]TTTCATTTCCTGAAATTGCTGGATCCTAAAATTAAAATGAAATATAAACAAGGTACACAT-3'
Protein context (NP_001032.2, residues 1295-1315): ILDPAISGNE[Thr1305Ile]KTYPAFERGQ

ClinVar aggregate classification (germline): Uncertain significance. Review status: criteria provided, multiple submitters, no conflicts (2 of 4 stars). 4 submissions from 4 submitters: Uncertain significance (4). Last evaluated 2026-03-17.

Conditions:
Sucrase-isomaltase deficiency (CSID). Also called: SI DEFICIENCY; Congenital sucrose isomaltose malabsorption; Sucrose isomaltose enzyme deficiency; Deficiency of isomaltase. Identifiers: Orphanet 35122, MedGen C1283620, MONDO:0009114, OMIM 222900.

Allele frequency attached by ClinVar (database versions not stated): ExAC 0.00004; ESP Exome Variant Server 0.00008; gnomAD exomes 0.00008 and 0.00011; TOPMed 0.00009; gnomAD 0.00016 and 0.00018.
gnomAD v4.1: 177 of 1,612,970 alleles (0.011%); highest among the groups gnomAD compares: Non-Finnish European, 0.014%; no homozygotes.

Submissions (4):

GeneDx
Classification: Uncertain significance. Last evaluated: 2026-03-17. Review status: criteria provided, single submitter. Criteria: GeneDx Variant Classification Process June 2021. Collection method: clinical testing. Allele origin: germline.
Comment: In silico analysis supports that this missense variant has a deleterious effect on protein structure/function; Has not been previously published as pathogenic or benign to our knowledge

Labcorp Genetics (formerly Invitae), Labcorp
Classification: Uncertain significance. Last evaluated: 2022-08-15. Review status: criteria provided, single submitter. Criteria: Invitae Variant Classification Sherloc (09022015). Collection method: clinical testing. Allele origin: germline.
Comment: This sequence change replaces threonine, which is neutral and polar, with isoleucine, which is neutral and non-polar, at codon 1305 of the SI protein (p.Thr1305Ile). This variant is present in population databases (rs371426683, gnomAD 0.02%). This variant has not been reported in the literature in individuals affected with SI-related conditions. ClinVar contains an entry for this variant (Variation ID: 903122). Advanced modeling of protein sequence and biophysical properties (such as structural, functional, and spatial information, amino acid conservation, physicochemical variation, residue mobility, and thermodynamic stability) performed at Invitae indicates that this missense variant is expected to disrupt SI protein function. In summary, the available evidence is currently insufficient to determine the role of this variant in disease. Therefore, it has been classified as a Variant of Uncertain Significance.

Fulgent Genetics
Classification: Uncertain significance for Sucrase-isomaltase deficiency. Last evaluated: 2021-08-15. Review status: criteria provided, single submitter. Criteria: ACMG Guidelines, 2015. Collection method: clinical testing. Allele origin: unknown.

Illumina Laboratory Services, Illumina
Classification: Uncertain significance for Sucrase-isomaltase deficiency. Last evaluated: 2018-01-12. Review status: criteria provided, single submitter. Criteria: ICSL Variant Classification Criteria 13 December 2019. Collection method: clinical testing. Allele origin: germline.